The following is an entry in ClinVar:

ClinVar aggregate classification (germline): Pathogenic. Review status: reviewed by expert panel (3 of 4 stars). 13 submissions from 13 submitters: Pathogenic (1). 12 of the submissions do not count toward it. Last evaluated 2017-03-17.

Conditions:
CFTR-related disorder (CFTR-RD). Also called: CFTR-related disorders; CFTR-related condition. Identifiers: MedGen C5924204, MONDO:7770004.
Cystic fibrosis (CF). Also called: MUCOVISCIDOSIS. Identifiers: Orphanet 586, MedGen C0010674, MONDO:0009061, OMIM 219700. Disease mechanism: loss of function.
Bronchiectasis with or without elevated sweat chloride 1 (BESC1). Also called: Cystic Fibrosis-Like Syndrome. Identifiers: Orphanet 60033, MedGen C2749757, MONDO:0008887, OMIM 211400.

gnomAD v4.1: 2 of 1,599,224 alleles (0.00013%); highest among the groups gnomAD compares: Non-Finnish European, 0.00017%; no homozygotes.

Submissions (13):

CFTR2
Classification: Pathogenic for Cystic fibrosis. Last evaluated: 2017-03-17. Review status: reviewed by expert panel. Criteria: Sosnay PR et al. (Nat Genet 2013). Collection method: research. Allele origin: germline. Affected: yes. Study: CFTR2.

Labcorp Genetics (formerly Invitae), Labcorp
Classification: Pathogenic for Cystic fibrosis. Last evaluated: 2025-04-21. Review status: criteria provided, single submitter. Criteria: Invitae Variant Classification Sherloc (09022015). Collection method: clinical testing. Allele origin: germline. Not counted in ClinVar's aggregate classification.
Comment: This sequence change replaces glutamic acid, which is acidic and polar, with lysine, which is basic and polar, at codon 92 of the CFTR protein (p.Glu92Lys). This variant is not present in population databases (gnomAD no frequency). This missense change has been observed in individual(s) with cystic fibrosis, pancreatic insufficiency and congenital bilateral absence of the vas deferens (CBAVD) (PMID: 10875853, 18178635, 29504914). In at least one individual the data is consistent with being in trans (on the opposite chromosome) from a pathogenic variant. ClinVar contains an entry for this variant (Variation ID: 7181). An algorithm developed to predict the effect of missense changes on protein structure and function (PolyPhen-2) suggests that this variant is likely to be disruptive. Experimental studies have shown that this missense change affects CFTR function (PMID: 18306312, 23891399, 23924900, 28448979). For these reasons, this variant has been classified as Pathogenic.

Institute of Human Genetics, University of Leipzig Medical Center
Classification: Pathogenic for Cystic fibrosis. Last evaluated: 2025-03-04. Review status: criteria provided, single submitter. Criteria: ACMG Guidelines, 2015. Collection method: clinical testing. Allele origin: unknown. Inheritance: Autosomal recessive inheritance. Affected: yes. Not counted in ClinVar's aggregate classification.
Comment: Criteria applied: PM3_VSTR,PS3,PM5,PM2_SUP,PP3,PP4

Natera, Inc.
Classification: Pathogenic for CFTR-related disorders. Last evaluated: 2025-02-24. Review status: criteria provided, single submitter. Criteria: Natera Variant Classification Schema (03/2026). Collection method: clinical testing. Allele origin: germline. Not counted in ClinVar's aggregate classification.
Comment: The c.274G>A variant in CFTR is a missense variant predicted to cause substitution of glutamic acid to lysine at amino acid 92. This variant is rare in the general population with a frequency below the threshold expected for the associated phenotype(s). This variant has been observed in one or more individuals affected with the associated recessive disease, as either homozygous or compound heterozygous with a second variant (PMID: 30898088, 32992607, 20463155, 12439892). Computational prediction algorithms indicate this variant is likely to affect gene or protein function. Given the available evidence, this variant is classified as Pathogenic.

Baylor Genetics
Classification: Pathogenic for Bronchiectasis with or without elevated sweat chloride 1. Last evaluated: 2023-11-18. Review status: criteria provided, single submitter. Criteria: ACMG Guidelines, 2015. Collection method: clinical testing. Allele origin: unknown. Not counted in ClinVar's aggregate classification.

Ambry Genetics
Classification: Pathogenic for Cystic fibrosis. Last evaluated: 2022-07-26. Review status: criteria provided, single submitter. Criteria: Ambry Variant Classification Scheme 2023. Collection method: clinical testing. Allele origin: germline. Not counted in ClinVar's aggregate classification.
Comment: The p.E92K pathogenic mutation (also known as c.274G>A and 406G>A), located in coding exon 4 of the CFTR gene, results from a G to A substitution at nucleotide position 274. This change occurs in the first base pair of coding exon 4. The glutamic acid at codon 92 is replaced by lysine, an amino acid with some similar properties. This mutation was identified in the homozygous state in a child with cystic fibrosis, elevated sweat chloride level, pancreatic sufficiency and history of Pseudomonas infection (Stanke F et al. J Med Genet. 2008;45(1):47-54). This variant has been reported in multiple individuals with an elevated sweat chloride level in The Clinical and Functional TRanslation of CFTR (CFTR2) database (available at CFTR2. Accessed 07/26/2022). This variant has <25% of wild type quantity and <10% of wild type function in The Clinical and Functional TRanslation of CFTR (CFTR2) database (available at CFTR2. Accessed 07/26/2022; Sosnay PR et al. Nat Genet. 2013;45(10):1160-7). In addition, in vitro functional studies in FRT cells with this variant showed little to no mature CFTR protein (Van Goor F et al. J Cyst Fibros. 2014;13(1):29-36) . Based on the supporting evidence, this alteration is interpreted as a disease-causing mutation.

Genome-Nilou Lab
Classification: Pathogenic for Cystic fibrosis. Last evaluated: 2021-07-22. Review status: criteria provided, single submitter. Criteria: ACMG Guidelines, 2015. Collection method: clinical testing. Allele origin: germline. Affected: no. Not counted in ClinVar's aggregate classification.

CeGaT Center for Human Genetics Tuebingen
Classification: Pathogenic. Last evaluated: 2018-07-01. Review status: criteria provided, single submitter. Criteria: CeGaT Center For Human Genetics Tuebingen Variant Classification Criteria Version 2. Collection method: clinical testing. Allele origin: germline. Affected: yes. Observed: 2 variant alleles. Not counted in ClinVar's aggregate classification.

CFTR-France
Classification: Pathogenic for cystic fibrosis; CFTR-related disorders. Last evaluated: 2018-01-29. Review status: criteria provided, single submitter. Criteria: Claustres M et al. (Hum Mutat 2017). Collection method: curation. Allele origin: germline. Affected: yes. Not counted in ClinVar's aggregate classification.
Comment: when the variant is in trans with another CF-causing variation, can either result in CF or in a CFTR-RD

Clinical Genetics and Genomics, Karolinska University Hospital
Classification: Pathogenic. Last evaluated: 2017-09-04. Review status: criteria provided, single submitter. Criteria: ACMG Guidelines, 2015. Collection method: clinical testing. Allele origin: germline. Affected: yes. Observed: 1 variant allele. Not counted in ClinVar's aggregate classification.

Women's Health and Genetics/Laboratory Corporation of America, LabCorp
Classification: Pathogenic for Cystic fibrosis. Last evaluated: 2017-06-13. Review status: criteria provided, single submitter. Criteria: LabCorp Variant Classification Summary - May 2015. Collection method: clinical testing. Allele origin: germline. Not counted in ClinVar's aggregate classification.
Comment: Variant summary: The CFTR c.274G>A (p.Glu92Lys) variant involves the alteration of a conserved nucleotide located in the ABC transporter type 1, transmembrane domain (InterPro). The variant affects the first nucleotide in exon 4. 4/5 in silico tools predict a damaging outcome for this variant. This variant is absent in 117032 control chromosomes. The variant has been reported in numerous CF alleles in the literature, and functional in vitro analysis has shown the variant to result in defective CFTR processing and <10% chloride transport (Sosnay_2013, Van Goor_2014) compared to WT. In addition, multiple clinical diagnostic laboratories/reputable databases classified this variant as pathogenic. Taken together, this variant is classified as pathogenic.

Counsyl
Classification: Pathogenic for Cystic fibrosis. Last evaluated: 2016-09-14. Review status: no assertion criteria provided. Collection method: clinical testing. Allele origin: unknown. Not counted in ClinVar's aggregate classification.

OMIM
Classification: Pathogenic for CYSTIC FIBROSIS. Last evaluated: 1993-01-01. Review status: no assertion criteria provided. Collection method: literature only. Allele origin: germline. Not counted in ClinVar's aggregate classification.

Literature cited by the submitters: PubMed 10875853 (cited by Labcorp Genetics (formerly Invitae), Labcorp); PubMed 18178635 (cited by Labcorp Genetics (formerly Invitae), Labcorp and Ambry Genetics); PubMed 29504914 (cited by Labcorp Genetics (formerly Invitae), Labcorp); PubMed 18306312 (cited by Labcorp Genetics (formerly Invitae), Labcorp); PubMed 23891399 (cited by 4 submitters); PubMed 23924900 (cited by Labcorp Genetics (formerly Invitae), Labcorp); PubMed 28448979 (cited by Labcorp Genetics (formerly Invitae), Labcorp); PubMed 30898088 (cited by Natera, Inc.); PubMed 32992607 (cited by Natera, Inc.); PubMed 20463155 (cited by Natera, Inc.); PubMed 12439892 (cited by Natera, Inc.); PubMed 1284529 (cited by Ambry Genetics); PubMed 23974870 (cited by 3 submitters); PubMed 23276700 (cited by Women's Health and Genetics/Laboratory Corporation of America, LabCorp); PubMed 10923036 (cited by Women's Health and Genetics/Laboratory Corporation of America, LabCorp); PubMed 7683954 (cited by OMIM).

NM_000492.4(CFTR):c.274G>A (p.Glu92Lys)

Gene: CFTR (CF transmembrane conductance regulator; plus strand). Cytogenetic location: 7q31.2.
Variant type: single nucleotide variant.
Coding change: c.274G>A on transcript NM_000492.4 (MANE Select); coding-DNA position 274, G replaced by A.
Protein change: p.Glu92Lys; replaces glutamic acid 92 with lysine.
Molecular consequence: missense variant.
Genome position (GRCh38, 1-based): chr7:117,530,899, G>A. VCF-style: chr7-117530899-G-A. GRCh37 (hg19) VCF-style: chr7-117170953-G-A.
Other names: short protein forms E92K.
Identifiers: ClinVar variation 7181 (VCV000007181.62), dbSNP rs121908751, ClinGen allele CA325572.
Genomic context (GRCh38, chr7:117,530,899, plus strand): 5'-CTCAGGGTATTTTATGAGAAATAAATGAAATTTAATTTCTCTGTTTTTCCCCTTTTGTAG[G>A]AAGTCACCAAAGCAGTACAGCCTCTCTTACTGGGAAGAATCATAGCTTCCTATGACCCGG-3'
Protein context (NP_000483.3, residues 82-102): MFYGIFLYLG[Glu92Lys]VTKAVQPLLL